The following is an entry in ClinVar:

ClinVar aggregate classification (germline): Uncertain significance (1 of 4 stars; one submission).

Conditions:
Progressive microcephaly-seizures-cortical blindness-developmental delay syndrome. Also called: Seizures, cortical blindness, and microcephaly syndrome. Identifiers: Orphanet 477814, MedGen C5567650, MONDO:0014714, OMIM 616632.
Autosomal dominant nonsyndromic hearing loss 1. Also called: DEAFNESS, AUTOSOMAL DOMINANT 1, WITH OR WITHOUT THROMBOCYTOPENIA; KONIGSMARK SYNDROME. Identifiers: Orphanet 90635, MedGen C1852282, MONDO:0007424, OMIM 124900.

Submission:

Labcorp Genetics (formerly Invitae), Labcorp
Classification: Uncertain significance for Progressive microcephaly-seizures-cortical blindness-developmental delay syndrome; Autosomal dominant nonsyndromic hearing loss 1. Last evaluated: 2022-04-09. Review status: criteria provided, single submitter. Criteria: Invitae Variant Classification Sherloc (09022015). Collection method: clinical testing. Allele origin: germline.
Comment: This sequence change affects codon 636 of the DIAPH1 mRNA. It is a 'silent' change, meaning that it does not change the encoded amino acid sequence of the DIAPH1 protein. In summary, the available evidence is currently insufficient to determine the role of this variant in disease. Therefore, it has been classified as a Variant of Uncertain Significance. Algorithms developed to predict the effect of sequence changes on RNA splicing suggest that this variant may disrupt the consensus splice site. This variant has not been reported in the literature in individuals affected with DIAPH1-related conditions. This variant is not present in population databases (gnomAD no frequency).

NM_005219.5(DIAPH1):c.1908T>C (p.Gly636=)

Gene: DIAPH1 (diaphanous related formin 1; minus strand). Cytogenetic location: 5q31.3.
Variant type: single nucleotide variant.
Coding change: c.1908T>C on transcript NM_005219.5 (MANE Select); coding-DNA position 1908, T replaced by C.
Protein change: p.Gly636=; no amino-acid change (glycine 636 retained).
Molecular consequence: synonymous variant.
Genome position (GRCh38, 1-based): chr5:141,573,942, A>G on the plus strand (T>C on the coding strand, the complement: DIAPH1 is on the minus strand). VCF-style: chr5-141573942-A-G. GRCh37 (hg19) VCF-style: chr5-140953509-A-G.
Other names: c.1881T>C, p.Gly627= (NM_001079812.3); c.1908T>C, p.Gly636= (NM_001314007.2).
Identifiers: ClinVar variation 1937825 (VCV001937825.5), dbSNP rs2513741001, ClinGen allele CA447088468.